The following is an entry in ClinVar:

ClinVar aggregate classification (germline): Uncertain significance. Review status: criteria provided, multiple submitters, no conflicts (2 of 4 stars). 2 submissions from 2 submitters: Uncertain significance (2). Last evaluated 2024-06-26.

Conditions:
Polyhydramnios, megalencephaly, and symptomatic epilepsy (PMSE). Also called: PMSE SYNDROME. Identifiers: Orphanet 500533, MedGen C1970203, MONDO:0012611, OMIM 611087.

Allele frequency attached by ClinVar (database versions not stated): ESP Exome Variant Server 0.00008; TOPMed 0.00009; gnomAD exomes 0.00011 and 0.00015; ExAC 0.00012; gnomAD 0.00014; 1000 Genomes Project 0.00040; 1000 Genomes Project 30x 0.00031.
gnomAD v4.1: 246 of 1,613,874 alleles (0.015%); highest among the groups gnomAD compares: Non-Finnish European, 0.018%; no homozygotes.

Submissions (2):

Blueprint Genetics
Classification: Uncertain significance. Last evaluated: 2024-06-26. Review status: criteria provided, single submitter. Criteria: ACMG Guidelines, 2015. Collection method: clinical testing. Allele origin: germline.

Labcorp Genetics (formerly Invitae), Labcorp
Classification: Uncertain significance for Polyhydramnios, megalencephaly, and symptomatic epilepsy. Last evaluated: 2023-12-18. Review status: criteria provided, single submitter. Criteria: Invitae Variant Classification Sherloc (09022015). Collection method: clinical testing. Allele origin: germline.
Comment: This sequence change replaces arginine, which is basic and polar, with tryptophan, which is neutral and slightly polar, at codon 13 of the STRADA protein (p.Arg13Trp). This variant is present in population databases (rs35808156, gnomAD 0.02%). This variant has not been reported in the literature in individuals affected with STRADA-related conditions. ClinVar contains an entry for this variant (Variation ID: 536760). An algorithm developed to predict the effect of missense changes on protein structure and function (PolyPhen-2) suggests that this variant is likely to be disruptive. In summary, the available evidence is currently insufficient to determine the role of this variant in disease. Therefore, it has been classified as a Variant of Uncertain Significance.

NM_001003787.4(STRADA):c.37C>T (p.Arg13Trp)

Gene: STRADA (STE20 related adaptor alpha; minus strand). Cytogenetic location: 17q23.3.
Variant type: single nucleotide variant.
Coding change: c.37C>T on transcript NM_001003787.4 (MANE Select); coding-DNA position 37, C replaced by T.
Protein change: p.Arg13Trp; replaces arginine 13 with tryptophan.
Molecular consequence: missense variant. On other transcripts: 5 prime UTR variant (3), non-coding transcript variant (1), intron variant (5).
Genome position (GRCh38, 1-based): chr17:63,726,695, G>A on the plus strand (C>T on the coding strand, the complement: STRADA is on the minus strand). VCF-style: chr17-63726695-G-A. GRCh37 (hg19) VCF-style: chr17-61804055-G-A.
Other names: c.-109C>T (NM_001003788.3, NM_001363790.1, NM_001363791.1); c.37C>T, p.Arg13Trp (NM_001165970.2, NM_001363788.1); c.13C>T, p.Arg5Trp (NM_001363786.1); c.12+1663C>T (NM_001363789.1, NM_001003786.3, NM_153335.6); c.36+1639C>T (NM_001165969.2, NM_001363787.1); short protein forms R13W, R5W.
Identifiers: ClinVar variation 536760 (VCV000536760.9), dbSNP rs35808156, ClinGen allele CA8703532.
Genomic context (GRCh38, chr17:63,726,695, plus strand): 5'-TACCTCCAAATAGTTCCAAATCTCTTAAGCCCTCAACAATGAACTTTTCCGAGACCCACC[G>A]CTAAAGAGGAAAACCCCAAAGAGAATTAGTATTTCTTCCAAGCCGCAACAAATTAGCTAT-3'
Protein context (NP_001003787.1, residues 3-23): FLVSKPERIR[Arg13Trp]WVSEKFIVEG